The following is an entry in ClinVar:

NM_002230.4(JUP):c.1354A>T (p.Thr452Ser)

Gene: JUP (junction plakoglobin; minus strand). Cytogenetic location: 17q21.2.
Variant type: single nucleotide variant.
Coding change: c.1354A>T on transcript NM_002230.4 (MANE Select); coding-DNA position 1354, A replaced by T.
Protein change: p.Thr452Ser; replaces threonine 452 with serine.
Molecular consequence: missense variant.
Genome position (GRCh38, 1-based): chr17:41,763,126, T>A on the plus strand (A>T on the coding strand, the complement: JUP is on the minus strand). VCF-style: chr17-41763126-T-A. GRCh37 (hg19) VCF-style: chr17-39919378-T-A.
Other names: p.T452S:ACG>TCG; c.1354A>T, p.Thr452Ser (NM_001352773.2, NM_001352774.2, NM_001352775.2 and 3 more transcripts); short protein forms T452S.
Identifiers: ClinVar variation 201823 (VCV000201823.14), dbSNP rs794729045, ClinGen allele CA308526.
Genomic context (GRCh38, chr17:41,763,126, plus strand): 5'-CCATCTCGGCCTCAGGGTGGCGGCTAGTGAGGTGGCGCAGAGCGCAGACGGCAGGCTCCG[T>A]GATGTCGTCCTTGTCACCAGCACGCAGGATGGCATGGATGAGAGCCTCCACACCGCTGTT-3'
Protein context (NP_002221.1, residues 442-462): ILRAGDKDDI[Thr452Ser]EPAVCALRHL

ClinVar aggregate classification (germline): Uncertain significance. Review status: criteria provided, multiple submitters, no conflicts (2 of 4 stars). 4 submissions from 4 submitters: Uncertain significance (4). Last evaluated 2025-06-18.

Conditions:
Cardiovascular phenotype. Identifiers: MedGen CN230736.
Arrhythmogenic right ventricular dysplasia 12. Also called: ARRHYTHMOGENIC RIGHT VENTRICULAR DYSPLASIA, FAMILIAL, 12. Identifiers: MedGen C1969081, MONDO:0012684, OMIM 611528.
Naxos disease (NXD). Also called: KERATOSIS PALMOPLANTARIS WITH ARRHYTHMOGENIC CARDIOMYOPATHY; MAL DE NAXOS; PALMOPLANTAR KERATODERMA WITH ARRHYTHMOGENIC RIGHT VENTRICULAR CARDIOMYOPATHY AND WOOLLY HAIR; WOOLLY HAIR, PALMOPLANTAR KERATODERMA, AND CARDIAC ABNORMALITIES; CARDIOMYOPATHY, ARRHYTHMOGENIC RIGHT VENTRICULAR, WITH SKIN, HAIR, AND NAIL ABNORMALITIES. Identifiers: Orphanet 34217, MedGen C1832600, MONDO:0011017, OMIM 601214.

Allele frequency attached by ClinVar (database versions not stated): gnomAD exomes 0.00001 and 0.00002; TOPMed 0.00001; gnomAD 0.00002.
gnomAD v4.1: 33 of 1,614,048 alleles (0.002%); highest among the groups gnomAD compares: Non-Finnish European, 0.0025%; no homozygotes.

Submissions (4):

Labcorp Genetics (formerly Invitae), Labcorp
Classification: Uncertain significance for Arrhythmogenic right ventricular dysplasia 12; Naxos disease. Last evaluated: 2025-06-18. Review status: criteria provided, single submitter. Criteria: Invitae Variant Classification Sherloc (09022015). Collection method: clinical testing. Allele origin: germline.
Comment: This sequence change replaces threonine, which is neutral and polar, with serine, which is neutral and polar, at codon 452 of the JUP protein (p.Thr452Ser). This variant is present in population databases (rs794729045, gnomAD 0.003%). This variant has not been reported in the literature in individuals affected with JUP-related conditions. ClinVar contains an entry for this variant (Variation ID: 201823). An algorithm developed to predict the effect of missense changes on protein structure and function (PolyPhen-2) suggests that this variant is likely to be tolerated. In summary, the available evidence is currently insufficient to determine the role of this variant in disease. Therefore, it has been classified as a Variant of Uncertain Significance.

Ambry Genetics
Classification: Uncertain significance for Cardiovascular phenotype. Last evaluated: 2025-05-29. Review status: criteria provided, single submitter. Criteria: Ambry Variant Classification Scheme 2023. Collection method: clinical testing. Allele origin: germline.

GeneDx
Classification: Uncertain significance. Last evaluated: 2024-03-07. Review status: criteria provided, single submitter. Criteria: GeneDx Variant Classification Process June 2021. Collection method: clinical testing. Allele origin: germline. Affected: yes.
Comment: Has not been previously published as pathogenic or benign to our knowledge; Not observed at significant frequency in large population cohorts (gnomAD); In silico analysis supports that this missense variant has a deleterious effect on protein structure/function

Fulgent Genetics
Classification: Uncertain significance for Naxos disease; Arrhythmogenic right ventricular dysplasia 12. Last evaluated: 2018-10-31. Review status: criteria provided, single submitter. Criteria: ACMG Guidelines, 2015. Collection method: clinical testing. Allele origin: unknown.